The following is an entry in ClinVar:

NM_020937.4(FANCM):c.3632A>G (p.Glu1211Gly)

Gene: FANCM (FA complementation group M; plus strand). Cytogenetic location: 14q21.2.
Variant type: single nucleotide variant.
Coding change: c.3632A>G on transcript NM_020937.4 (MANE Select); coding-DNA position 3632, A replaced by G.
Protein change: p.Glu1211Gly; replaces glutamic acid 1211 with glycine.
Molecular consequence: missense variant.
Genome position (GRCh38, 1-based): chr14:45,176,386, A>G. VCF-style: chr14-45176386-A-G. GRCh37 (hg19) VCF-style: chr14-45645589-A-G.
Other names: c.3554A>G, p.Glu1185Gly (NM_001308133.2); short protein forms E1211G, E1185G.
Identifiers: ClinVar variation 4254595 (VCV004254595.1).
Genomic context (GRCh38, chr14:45,176,386, plus strand): 5'-AAGATCAAATCACCCGTGATGCTAATAGTTTTAAATCTCGTGATCAGAGAGGTGTACAGG[A>G]AGAAAAAGTGAAGAATCATGAGGATATTTTTGATTGCTCTAGGGATTTATTTTCTGTTAC-3'
Protein context (NP_065988.1, residues 1201-1221): FKSRDQRGVQ[Glu1211Gly]EKVKNHEDIF

ClinVar aggregate classification (germline): Uncertain significance (1 of 4 stars; one submission).

Conditions:
Inborn genetic diseases. Identifiers: MedGen C0950123, MeSH D030342.

gnomAD v4.1: 1 of 1,613,010 alleles (0.000062%); highest among the groups gnomAD compares: Non-Finnish European, 0.000085%; no homozygotes.

Submission:

Ambry Genetics
Classification: Uncertain significance for Inborn genetic diseases. Last evaluated: 2025-07-15. Review status: criteria provided, single submitter. Criteria: Ambry Variant Classification Scheme 2023. Collection method: clinical testing. Allele origin: germline.
Comment: The p.E1211G variant (also known as c.3632A>G), located in coding exon 14 of the FANCM gene, results from an A to G substitution at nucleotide position 3632. The glutamic acid at codon 1211 is replaced by glycine, an amino acid with similar properties. This amino acid position is conserved. In addition, this alteration is predicted to be tolerated by in silico analysis. Based on the available evidence, the clinical significance of this variant remains unclear.